The following is an entry in ClinVar:

ClinVar aggregate classification (germline): Uncertain significance (1 of 4 stars; one submission).

Submission:

Labcorp Genetics (formerly Invitae), Labcorp
Classification: Uncertain significance. Last evaluated: 2023-04-27. Review status: criteria provided, single submitter. Criteria: Invitae Variant Classification Sherloc (09022015). Collection method: clinical testing. Allele origin: germline.
Comment: In summary, the available evidence is currently insufficient to determine the role of this variant in disease. Therefore, it has been classified as a Variant of Uncertain Significance. An algorithm developed to predict the effect of missense changes on protein structure and function (PolyPhen-2) suggests that this variant is likely to be disruptive. This variant has not been reported in the literature in individuals affected with DNM1L-related conditions. This variant is not present in population databases (gnomAD no frequency). This sequence change replaces arginine, which is basic and polar, with threonine, which is neutral and polar, at codon 201 of the DNM1L protein (p.Arg201Thr).

NM_012062.5(DNM1L):c.602G>C (p.Arg201Thr)

Gene: DNM1L (dynamin 1 like; plus strand). Cytogenetic location: 12p11.21.
Variant type: single nucleotide variant.
Coding change: c.602G>C on transcript NM_012062.5 (MANE Select); coding-DNA position 602, G replaced by C.
Protein change: p.Arg201Thr; replaces arginine 201 with threonine.
Molecular consequence: missense variant. On other transcripts: intron variant (1).
Genome position (GRCh38, 1-based): chr12:32,713,354, G>C. VCF-style: chr12-32713354-G-C. GRCh37 (hg19) VCF-style: chr12-32866288-G-C.
Other names: c.602G>C, p.Arg201Thr (NM_001278463.2, NM_005690.5, NM_012063.4); c.641G>C, p.Arg214Thr (NM_001278464.2, NM_001278465.2, NM_001330380.2); c.131+5941G>C (NM_001278466.2); short protein forms R201T, R214T.
Identifiers: ClinVar variation 2843966 (VCV002843966.3), dbSNP rs2541014453, ClinGen allele CA384367935.